The following is an entry in ClinVar:

NM_001035.3(RYR2):c.8504G>A (p.Arg2835Lys)

Gene: RYR2 (ryanodine receptor 2; plus strand). Cytogenetic location: 1q43.
Variant type: single nucleotide variant.
Coding change: c.8504G>A on transcript NM_001035.3 (MANE Select); coding-DNA position 8504, G replaced by A.
Protein change: p.Arg2835Lys; replaces arginine 2835 with lysine.
Molecular consequence: missense variant.
Genome position (GRCh38, 1-based): chr1:237,666,579, G>A. VCF-style: chr1-237666579-G-A. GRCh37 (hg19) VCF-style: chr1-237829879-G-A.
Other names: short protein forms R2835K.
Identifiers: ClinVar variation 3719970 (VCV003719970.2).

ClinVar aggregate classification (germline): Uncertain significance (1 of 4 stars; one submission).

Conditions:
Catecholaminergic polymorphic ventricular tachycardia 1. Also called: VENTRICULAR TACHYCARDIA, STRESS-INDUCED POLYMORPHIC 1; VENTRICULAR TACHYCARDIA, CATECHOLAMINERGIC POLYMORPHIC, 1, WITH OR WITHOUT ATRIAL DYSFUNCTION AND/OR DILATED CARDIOMYOPATHY; RYR2-Related Catecholaminergic Polymorphic Ventricular Tachycardia. Identifiers: Orphanet 3286, MedGen C1631597, MONDO:0011484, OMIM 604772.

Submission:

Labcorp Genetics (formerly Invitae), Labcorp
Classification: Uncertain significance for Catecholaminergic polymorphic ventricular tachycardia 1. Last evaluated: 2024-11-28. Review status: criteria provided, single submitter. Criteria: Invitae Variant Classification Sherloc (09022015). Collection method: clinical testing. Allele origin: germline.
Comment: This sequence change replaces arginine, which is basic and polar, with lysine, which is basic and polar, at codon 2835 of the RYR2 protein (p.Arg2835Lys). This variant is not present in population databases (gnomAD no frequency). This variant has not been reported in the literature in individuals affected with RYR2-related conditions. Invitae Evidence Modeling of protein sequence and biophysical properties (such as structural, functional, and spatial information, amino acid conservation, physicochemical variation, residue mobility, and thermodynamic stability) indicates that this missense variant is not expected to disrupt RYR2 protein function with a negative predictive value of 95%. In summary, the available evidence is currently insufficient to determine the role of this variant in disease. Therefore, it has been classified as a Variant of Uncertain Significance.